The following is an entry in ClinVar:

NM_001034853.2(RPGR):c.2106G>A (p.Trp702Ter)

Gene: RPGR (retinitis pigmentosa GTPase regulator; minus strand). Cytogenetic location: Xp11.4.
Variant type: single nucleotide variant.
Coding change: c.2106G>A on transcript NM_001034853.2 (MANE Select); coding-DNA position 2106, G replaced by A.
Protein change: p.Trp702Ter; replaces tryptophan 702 with a stop codon.
Molecular consequence: nonsense. On other transcripts: intron variant (8).
Genome position (GRCh38, 1-based): chrX:38,286,893, C>T on the plus strand (G>A on the coding strand, the complement: RPGR is on the minus strand). VCF-style: chrX-38286893-C-T. GRCh37 (hg19) VCF-style: chrX-38146146-C-T.
Other names: c.1569+4066G>A (NM_001367249.1, NM_001367250.1); c.1902+201G>A (NM_001367245.1); c.1386+4066G>A (NM_001367251.1); c.1719+201G>A (NM_001367246.1); c.1572+4066G>A (NM_001367247.1); c.1905+201G>A (NM_000328.3); c.1602+4066G>A (NM_001367248.1); short protein forms W702*.
Identifiers: ClinVar variation 866085 (VCV000866085.8), dbSNP rs2067193056, ClinGen allele CA412731439.

ClinVar aggregate classification (germline): Pathogenic/Likely pathogenic. Review status: criteria provided, multiple submitters, no conflicts (2 of 4 stars). 4 submissions from 3 submitters: Pathogenic (2); Likely pathogenic (1). 1 of the submissions does not count toward it. Last evaluated 2024-05-07.

Conditions:
Primary ciliary dyskinesia. Also called: Ciliary dyskinesia. Identifiers: Orphanet 244, MedGen C0008780, MONDO:0016575, HP:0012265.
Retinitis pigmentosa 3. Also called: CHOROIDORETINAL DEGENERATION WITH RETINAL REFLEX IN HETEROZYGOUS WOMEN. Identifiers: Orphanet 791, MedGen C1845667, MONDO:0010227, OMIM 300029.
Retinal dystrophy. Also called: Inherited retinal dystrophy. Identifiers: Orphanet 71862, MedGen C0854723, MeSH D058499, MONDO:0019118, HP:0000556.

Submissions (4):

Labcorp Genetics (formerly Invitae), Labcorp
Classification: Pathogenic for Primary ciliary dyskinesia. Last evaluated: 2024-05-07. Review status: criteria provided, single submitter. Criteria: Invitae Variant Classification Sherloc (09022015). Collection method: clinical testing. Allele origin: germline.
Comment: This sequence change creates a premature translational stop signal (p.Trp702*) in the RPGR (ORF15) gene. While this is not anticipated to result in nonsense mediated decay, it is expected to disrupt the last 451 amino acid(s) of the RPGR (ORF15) protein. This variant is not present in population databases (gnomAD no frequency). This premature translational stop signal has been observed in individual(s) with inherited retinal dystrophy (PMID: 34985506). ClinVar contains an entry for this variant (Variation ID: 866085). This variant disrupts a region of the RPGR (ORF15) protein in which other variant(s) (p.Leu1130Lysfs*13) have been determined to be pathogenic (PMID: 22264887; Invitae). This suggests that this is a clinically significant region of the protein, and that variants that disrupt it are likely to be disease-causing. For these reasons, this variant has been classified as Pathogenic.

Institute of Human Genetics, Univ. Regensburg, Univ. Regensburg
Classification: Pathogenic for Retinal dystrophy. Last evaluated: 2021-01-01. Review status: criteria provided, single submitter. Criteria: ACMG Guidelines, 2015. Collection method: clinical testing. Allele origin: germline. Affected: yes.

Blueprint Genetics
Classification: Likely pathogenic for Retinal dystrophy. Last evaluated: 2018-05-24. Review status: criteria provided, single submitter. Criteria: Blueprint Genetics Variant Classification Scheme. Collection method: clinical testing. Allele origin: germline. Affected: yes.

Blueprint Genetics
Classification: Likely pathogenic for Retinitis pigmentosa 3. Review status: no assertion criteria provided. Collection method: clinical testing. Allele origin: germline. Affected: yes. Not counted in ClinVar's aggregate classification.

Literature cited by the submitters: PubMed 34985506 (cited by Labcorp Genetics (formerly Invitae), Labcorp and Institute of Human Genetics, Univ. Regensburg, Univ. Regensburg); PubMed 22264887 (cited by Labcorp Genetics (formerly Invitae), Labcorp).